The following is an entry in ClinVar:

NM_001040142.2(SCN2A):c.5687T>C (p.Ile1896Thr)

Gene: SCN2A (sodium voltage-gated channel alpha subunit 2; plus strand). Cytogenetic location: 2q24.3.
Variant type: single nucleotide variant.
Coding change: c.5687T>C on transcript NM_001040142.2 (MANE Select); coding-DNA position 5687, T replaced by C.
Protein change: p.Ile1896Thr; replaces isoleucine 1896 with threonine.
Molecular consequence: missense variant.
Genome position (GRCh38, 1-based): chr2:165,389,493, T>C. VCF-style: chr2-165389493-T-C. GRCh37 (hg19) VCF-style: chr2-166246003-T-C.
Other names: c.5687T>C, p.Ile1896Thr (NM_001040143.2, NM_001371246.1, NM_001371247.1 and 1 more transcripts); short protein forms I1896T.
Identifiers: ClinVar variation 4839749 (VCV004839749.1).

ClinVar aggregate classification (germline): Uncertain significance (1 of 4 stars; one submission).

Conditions:
Inborn genetic diseases. Identifiers: MedGen C0950123, MeSH D030342.

Submission:

Ambry Genetics
Classification: Uncertain significance for Inborn genetic diseases. Last evaluated: 2026-01-30. Review status: criteria provided, single submitter. Criteria: Ambry Variant Classification Scheme 2023. Collection method: clinical testing. Allele origin: germline.
Comment: The c.5687T>C (p.I1896T) alteration is located in exon 27 (coding exon 26) of the SCN2A gene. This alteration results from a T to C substitution at nucleotide position 5687, causing the isoleucine (I) at amino acid position 1896 to be replaced by a threonine (T). This variant was not reported in population-based cohorts in the Genome Aggregation Database (gnomAD). This amino acid position is highly conserved in available vertebrate species. This alteration is predicted to be deleterious by in silico analysis. Based on insufficient or conflicting evidence, the clinical significance of this alteration remains unclear.